The following is an entry in ClinVar:

NM_018122.5(DARS2):c.1128+3_1128+6dup

Gene: DARS2 (aspartyl-tRNA synthetase 2, mitochondrial; plus strand). Cytogenetic location: 1q25.1.
Variant type: Duplication.
Coding change: c.1128+3_1128+6dup on transcript NM_018122.5 (MANE Select); bases 3 to 6 of the intron after coding-DNA position 1128, 4 bases duplicated (AAGT; older notation c.1128+3_1128+6dupAAGT).
Molecular consequence: splice donor variant.
Genome position (GRCh38, 1-based): chr1:173,840,976-173,840,979, AAGT duplicated; duplicating any 4 consecutive bases within chr1:173,840,973-173,840,979 gives the same sequence; the c. name uses the placement nearest the transcript's 3' end. VCF-style (leftmost placement, unchanged base first): chr1-173840972-C-CAGTA. GRCh37 (hg19) VCF-style: chr1-173810110-C-CAGTA.
Other names: c.1128+3_1128+6dup (NM_001365212.1, NM_001365213.2).
Identifiers: ClinVar variation 3838278 (VCV003838278.1).
Genomic context (GRCh38, chr1:173,840,972, plus strand): 5'-TTCAAGATGCACTTAGTAAGCCCCATGGAACTGTGAAAGCCATATGTATCCCTGAAGGAG[C>CAGTA]AGTAAGTGAAGTACAGTTCTATGTTTCTCTAGAATGTATGCTTTGGAAGTAACTTTGTCC-3'

ClinVar aggregate classification (germline): Uncertain significance (1 of 4 stars; one submission).

Conditions:
Inborn genetic diseases. Identifiers: MedGen C0950123, MeSH D030342.

Submission:

Ambry Genetics
Classification: Uncertain significance for Inborn genetic diseases. Last evaluated: 2024-12-17. Review status: criteria provided, single submitter. Criteria: Ambry Variant Classification Scheme 2023. Collection method: clinical testing. Allele origin: germline.
Comment: The c.1128+3_1128+6dupAAGT intronic variant begins 3 nucleotides after coding exon 11 in the DARS2 gene. This variant results from a duplication of 4 nucleotides at positions c.1128+3 to c.1128+6. This variant was not reported in population-based cohorts in the Genome Aggregation Database (gnomAD). This nucleotide position is well conserved in available vertebrate species. In silico splice site analysis predicts that this alteration will result in the creation or strengthening of a novel splice donor site. Based on insufficient or conflicting evidence, the clinical significance of this alteration remains unclear.